The following is an entry in ClinVar:

ClinVar aggregate classification (germline): Uncertain significance. Review status: criteria provided, multiple submitters, no conflicts (2 of 4 stars). 2 submissions from 2 submitters: Uncertain significance (2). Last evaluated 2025-01-29.

gnomAD v4.1: 19 of 1,604,378 alleles (0.0012%); highest among the groups gnomAD compares: Middle Eastern, 0.033%; no homozygotes.

Submissions (2):

Labcorp Genetics (formerly Invitae), Labcorp
Classification: Uncertain significance. Last evaluated: 2025-01-29. Review status: criteria provided, single submitter. Criteria: Invitae Variant Classification Sherloc (09022015). Collection method: clinical testing. Allele origin: germline.
Comment: This sequence change replaces tyrosine, which is neutral and polar, with cysteine, which is neutral and slightly polar, at codon 73 of the KIF23 protein (p.Tyr73Cys). This variant is present in population databases (rs147622778, gnomAD 0.01%). This variant has not been reported in the literature in individuals affected with KIF23-related conditions. ClinVar contains an entry for this variant (Variation ID: 3534218). Invitae Evidence Modeling of protein sequence and biophysical properties (such as structural, functional, and spatial information, amino acid conservation, physicochemical variation, residue mobility, and thermodynamic stability) indicates that this missense variant is not expected to disrupt KIF23 protein function with a negative predictive value of 80%. In summary, the available evidence is currently insufficient to determine the role of this variant in disease. Therefore, it has been classified as a Variant of Uncertain Significance.

Ambry Genetics
Classification: Uncertain significance. Last evaluated: 2024-10-16. Review status: criteria provided, single submitter. Criteria: Ambry Variant Classification Scheme 2023. Collection method: clinical testing. Allele origin: germline.

NM_001367805.3(KIF23):c.218A>G (p.Tyr73Cys)

Gene: KIF23 (kinesin family member 23; plus strand). Cytogenetic location: 15q23.
Variant type: single nucleotide variant.
Coding change: c.218A>G on transcript NM_001367805.3 (MANE Select); coding-DNA position 218, A replaced by G.
Protein change: p.Tyr73Cys; replaces tyrosine 73 with cysteine.
Molecular consequence: missense variant. On other transcripts: non-coding transcript variant (2).
Genome position (GRCh38, 1-based): chr15:69,421,654, A>G. VCF-style: chr15-69421654-A-G. GRCh37 (hg19) VCF-style: chr15-69713993-A-G.
Other names: c.25A>G, p.Ile9Val (NM_001281301.2); c.218A>G, p.Tyr73Cys (NM_001367804.2, NM_004856.7, NM_138555.4); short protein forms Y73C, I9V.
Identifiers: ClinVar variation 3534218 (VCV003534218.3).